The following is an entry in ClinVar:

ClinVar aggregate classification (germline): Pathogenic (1 of 4 stars; one submission).

Conditions:
Spastic paraplegia. Identifiers: MedGen C0037772, HP:0001258.

gnomAD v4.1: 1 of 1,614,236 alleles (0.000062%); highest among the groups gnomAD compares: South Asian, 0.0011%; no homozygotes.

Submission:

Labcorp Genetics (formerly Invitae), Labcorp
Classification: Pathogenic for Spastic paraplegia. Last evaluated: 2022-02-03. Review status: criteria provided, single submitter. Criteria: Invitae Variant Classification Sherloc (09022015). Collection method: clinical testing. Allele origin: germline.
Comment: For these reasons, this variant has been classified as Pathogenic. ClinVar contains an entry for this variant (Variation ID: 1071346). This variant has not been reported in the literature in individuals affected with ZFYVE26-related conditions. This variant is not present in population databases (gnomAD no frequency). This sequence change creates a premature translational stop signal (p.Gln2259*) in the ZFYVE26 gene. It is expected to result in an absent or disrupted protein product. Loss-of-function variants in ZFYVE26 are known to be pathogenic (PMID: 18394578, 19805727).

Literature cited by the submitters: PubMed 18394578; PubMed 19805727.

NM_015346.4(ZFYVE26):c.6775C>T (p.Gln2259Ter)

Gene: ZFYVE26 (zinc finger FYVE-type containing 26; minus strand). Cytogenetic location: 14q24.1.
Variant type: single nucleotide variant.
Coding change: c.6775C>T on transcript NM_015346.4 (MANE Select); coding-DNA position 6775, C replaced by T.
Protein change: p.Gln2259Ter; replaces glutamine 2259 with a stop codon.
Molecular consequence: nonsense.
Genome position (GRCh38, 1-based): chr14:67,755,959, G>A on the plus strand (C>T on the coding strand, the complement: ZFYVE26 is on the minus strand). VCF-style: chr14-67755959-G-A. GRCh37 (hg19) VCF-style: chr14-68222676-G-A.
Other names: short protein forms Q2259*.
Identifiers: ClinVar variation 1071346 (VCV001071346.7), dbSNP rs1262211844, ClinGen allele CA390161264.
Genomic context (GRCh38, chr14:67,755,959, plus strand): 5'-GGTGGGGCACCAGCAACAGAGGTAGAAGGCAGGAAGGGGCTGCCATTACCTTCATAAACT[G>A]CTGCAGCTCATACAGAATGTGGTAGTAGTTCTTCTTCTGTAAATGTTGGCAGGCAGCAAT-3'